The following is an entry in ClinVar:

NM_003872.3(NRP2):c.1746del (p.Ile583fs)

Gene: NRP2 (neuropilin 2; plus strand). Cytogenetic location: 2q33.3.
Variant type: Deletion.
Coding change: c.1746del on transcript NM_003872.3 (MANE Select); coding-DNA position 1746, one base deleted (G; older notation c.1746delG).
Protein change: p.Ile583fs; shifts the reading frame from isoleucine 583.
Molecular consequence: frameshift variant.
Genome position (GRCh38, 1-based): chr2:205,745,850, G deleted; the last of 4 consecutive G bases (chr2:205,745,847-205,745,850); deleting any one gives the same sequence. VCF-style (leftmost placement, unchanged base first): chr2-205745846-CG-C. GRCh37 (hg19) VCF-style: chr2-206610570-CG-C.
Other names: c.1746del, p.Ile583fs (NM_018534.4, NM_201266.2, NM_201267.2 and 1 more transcripts); short protein forms I583fs.
Identifiers: ClinVar variation 4999051 (VCV004999051.1).
Genomic context (GRCh38, chr2:205,745,846, plus strand): 5'-GAAGGTTTGACCCCATTCCGGCACAGTATGTGCGGGTATACCCGGAGAGGTGGTCGCCGG[CG>C]GGGATTGGGATGCGGCTGGAGGTGCTGGGCTGTGACTGGACAGGTAAGATGACATTTCCT-3'

ClinVar aggregate classification (germline): Uncertain significance (1 of 4 stars; one submission).

Conditions:
NRP2-related disorder. Also called: NRP2-related condition.

Submission:

PreventionGenetics, part of Exact Sciences
Classification: Uncertain significance for NRP2-related condition. Last evaluated: 2025-07-16. Review status: criteria provided, single submitter. Criteria: ACMG Guidelines, 2015. Collection method: clinical testing. Allele origin: germline.
Comment: The NRP2 c.1746delG variant is predicted to result in a frameshift and premature protein termination (p.Ile583Leufs*19). To our knowledge, this variant has not been reported in the literature or in a large population database (gnomAD), indicating this variant is rare. Loss of function has not been established as a mechanism of NRP2-related disease. At this time, the clinical significance of this variant is uncertain due to the absence of conclusive functional and genetic evidence.